The following is an entry in ClinVar:

NM_017780.4(CHD7):c.6157C>G (p.Arg2053Gly)

Gene: CHD7 (chromodomain helicase DNA binding protein 7; plus strand). Cytogenetic location: 8q12.2.
Variant type: single nucleotide variant.
Coding change: c.6157C>G on transcript NM_017780.4 (MANE Select); coding-DNA position 6157, C replaced by G.
Protein change: p.Arg2053Gly; replaces arginine 2053 with glycine.
Molecular consequence: missense variant. On other transcripts: intron variant (1).
Genome position (GRCh38, 1-based): chr8:60,852,882, C>G. VCF-style: chr8-60852882-C-G. GRCh37 (hg19) VCF-style: chr8-61765441-C-G.
Other names: c.1717-9347C>G (NM_001316690.1); short protein forms R2053G.
Identifiers: ClinVar variation 3899700 (VCV003899700.1).

ClinVar aggregate classification (germline): Uncertain significance (1 of 4 stars; one submission).

Submission:

GeneDx
Classification: Uncertain significance. Last evaluated: 2024-11-18. Review status: criteria provided, single submitter. Criteria: GeneDx Variant Classification Process June 2021. Collection method: clinical testing. Allele origin: germline. Affected: yes.
Comment: Not observed at significant frequency in large population cohorts (gnomAD); In silico analysis supports that this missense variant has a deleterious effect on protein structure/function; Has not been previously published as pathogenic or benign to our knowledge